The following is an entry in ClinVar:

ClinVar aggregate classification (germline): Uncertain significance (1 of 4 stars; one submission).

Conditions:
Hereditary cancer-predisposing syndrome. Also called: Neoplastic Syndromes, Hereditary; Tumor predisposition; Hereditary Cancer Syndrome; Hereditary neoplastic syndrome. Identifiers: Orphanet 140162, MedGen C0027672, MeSH D009386, MONDO:0015356.

Submission:

Ambry Genetics
Classification: Uncertain significance for Hereditary cancer-predisposing syndrome. Last evaluated: 2021-07-18. Review status: criteria provided, single submitter. Criteria: Ambry Variant Classification Scheme 2023. Collection method: clinical testing. Allele origin: germline.
Comment: The p.G2285A variant (also known as c.6854G>C), located in coding exon 49 of the POLE gene, results from a G to C substitution at nucleotide position 6854. The glycine at codon 2285 is replaced by alanine, an amino acid with similar properties. This amino acid position is conserved. In addition, this alteration is predicted to be tolerated by in silico analysis. Since supporting evidence is limited at this time, the clinical significance of this alteration remains unclear.

NM_006231.4(POLE):c.6854G>C (p.Gly2285Ala)

Gene: POLE (DNA polymerase epsilon, catalytic subunit; minus strand). Cytogenetic location: 12q24.33.
Variant type: single nucleotide variant.
Coding change: c.6854G>C on transcript NM_006231.4 (MANE Select); coding-DNA position 6854, G replaced by C.
Protein change: p.Gly2285Ala; replaces glycine 2285 with alanine.
Molecular consequence: missense variant.
Genome position (GRCh38, 1-based): chr12:132,624,704, C>G on the plus strand (G>C on the coding strand, the complement: POLE is on the minus strand). VCF-style: chr12-132624704-C-G. GRCh37 (hg19) VCF-style: chr12-133201290-C-G.
Other names: short protein forms G2285A.
Identifiers: ClinVar variation 1755810 (VCV001755810.2), dbSNP rs1060500879, ClinGen allele CA387365559.
Genomic context (GRCh38, chr12:132,624,704, plus strand): 5'-TTGGCATCAGGAGGCCTGGCACGGACGCAGAGGCACCCGGGGCCCGGGGCTGGCTAATGG[C>G]CCAGCTGTGGGTTCTTCTGCAGCAGCCACTCCAGGGTCTCCAGGAGGTACGACATGCCGT-3'
Protein context (NP_006222.2, residues 2275-2286): EWLLQKNPQL[Gly2285Ala]H